The following is an entry in ClinVar:

ClinVar aggregate classification (germline): Uncertain significance (1 of 4 stars; one submission).

Submission:

Labcorp Genetics (formerly Invitae), Labcorp
Classification: Uncertain significance. Last evaluated: 2024-02-07. Review status: criteria provided, single submitter. Criteria: Invitae Variant Classification Sherloc (09022015). Collection method: clinical testing. Allele origin: germline.
Comment: This sequence change replaces serine, which is neutral and polar, with cysteine, which is neutral and slightly polar, at codon 131 of the ASXL1 protein (p.Ser131Cys). This variant is not present in population databases (gnomAD no frequency). This variant has not been reported in the literature in individuals affected with ASXL1-related conditions. An algorithm developed to predict the effect of missense changes on protein structure and function (PolyPhen-2) suggests that this variant is likely to be disruptive. In summary, the available evidence is currently insufficient to determine the role of this variant in disease. Therefore, it has been classified as a Variant of Uncertain Significance.

NM_015338.6(ASXL1):c.392C>G (p.Ser131Cys)

Gene: ASXL1 (ASXL transcriptional regulator 1; plus strand). Cytogenetic location: 20q11.21.
Variant type: single nucleotide variant.
Coding change: c.392C>G on transcript NM_015338.6 (MANE Select); coding-DNA position 392, C replaced by G.
Protein change: p.Ser131Cys; replaces serine 131 with cysteine.
Molecular consequence: missense variant.
Genome position (GRCh38, 1-based): chr20:32,428,343, C>G. VCF-style: chr20-32428343-C-G. GRCh37 (hg19) VCF-style: chr20-31016146-C-G.
Other names: c.362C>G, p.Ser121Cys (NM_001363734.1); short protein forms S121C, S131C.
Identifiers: ClinVar variation 3611050 (VCV003611050.2).